The following is an entry in ClinVar:

NM_001267550.2(TTN):c.105434C>A (p.Ser35145Tyr)

Genes: TTN-AS1 (TTN antisense RNA 1; plus strand), TTN (titin; minus strand). Cytogenetic location: 2q31.2.
Variant type: single nucleotide variant.
Coding change: c.105434C>A on transcript NM_001267550.2 (MANE Select); coding-DNA position 105434, C replaced by A.
Protein change: p.Ser35145Tyr; replaces serine 35145 with tyrosine.
Molecular consequence: missense variant.
Genome position (GRCh38, 1-based): chr2:178,531,181, G>T on the plus strand (C>A on the coding strand, the complement: TTN is on the minus strand). VCF-style: chr2-178531181-G-T. GRCh37 (hg19) VCF-style: chr2-179395908-G-T.
Other names: c.100511C>A, p.Ser33504Tyr (NM_001256850.1); c.78239C>A, p.Ser26080Tyr (NM_003319.4); c.97730C>A, p.Ser32577Tyr (NM_133378.4); c.78614C>A, p.Ser26205Tyr (NM_133432.3); c.78815C>A, p.Ser26272Tyr (NM_133437.4); short protein forms S26080Y, S26205Y, S26272Y, S32577Y, S33504Y, S35145Y.
Identifiers: ClinVar variation 1057563 (VCV001057563.7), dbSNP rs1688961412, ClinGen allele CA349408774.

ClinVar aggregate classification (germline): Uncertain significance (1 of 4 stars; one submission).

Conditions:
Dilated cardiomyopathy 1G (CMD1G). Identifiers: Orphanet 154, MedGen C1858763, MONDO:0011400, OMIM 604145.
Autosomal recessive limb-girdle muscular dystrophy type 2J (LGMDR10). Also called: Limb-girdle muscular dystrophy, type 2J; MUSCULAR DYSTROPHY, LIMB-GIRDLE, AUTOSOMAL RECESSIVE 10. Identifiers: Orphanet 140922, MedGen C1837342, MONDO:0012127, OMIM 608807.

Submission:

Labcorp Genetics (formerly Invitae), Labcorp
Classification: Uncertain significance for Dilated cardiomyopathy 1G; Autosomal recessive limb-girdle muscular dystrophy type 2J. Last evaluated: 2025-12-15. Review status: criteria provided, single submitter. Criteria: Invitae Variant Classification Sherloc (09022015). Collection method: clinical testing. Allele origin: germline.
Comment: This sequence change replaces serine, which is neutral and polar, with tyrosine, which is neutral and polar, at codon 35145 of the TTN protein (p.Ser35145Tyr). This variant is not present in population databases (gnomAD no frequency). This variant has not been reported in the literature in individuals affected with TTN-related conditions. ClinVar contains an entry for this variant (Variation ID: 1057563). Experimental studies and prediction algorithms are not available or were not evaluated, and the functional significance of this variant is currently unknown. This variant is located in the M band of TTN (PMID: 25589632). Non-truncating variants in this region may be relevant for neuromuscular disorders, but have not been definitively shown to cause cardiomyopathy (PMID: 23975875). In summary, the available evidence is currently insufficient to determine the role of this variant in disease. Therefore, it has been classified as a Variant of Uncertain Significance.

Literature cited by the submitters: PubMed 25589632; PubMed 23975875.